The following is an entry in ClinVar:

NM_002133.3(HMOX1):c.452C>T (p.Ala151Val)

Gene: HMOX1 (heme oxygenase 1; plus strand). Cytogenetic location: 22q12.3.
Variant type: single nucleotide variant.
Coding change: c.452C>T on transcript NM_002133.3 (MANE Select); coding-DNA position 452, C replaced by T.
Protein change: p.Ala151Val; replaces alanine 151 with valine.
Molecular consequence: missense variant.
Genome position (GRCh38, 1-based): chr22:35,386,992, C>T. VCF-style: chr22-35386992-C-T. GRCh37 (hg19) VCF-style: chr22-35782985-C-T.
Other names: short protein forms A151V.
Identifiers: ClinVar variation 1025594 (VCV001025594.7), dbSNP rs768800478, ClinGen allele CA10204728.

ClinVar aggregate classification (germline): Uncertain significance (1 of 4 stars; one submission).

Allele frequency attached by ClinVar (database versions not stated): gnomAD exomes below 0.00001; ExAC 0.00001.

Submission:

Labcorp Genetics (formerly Invitae), Labcorp
Classification: Uncertain significance. Last evaluated: 2025-07-07. Review status: criteria provided, single submitter. Criteria: Invitae Variant Classification Sherloc (09022015). Collection method: clinical testing. Allele origin: germline.
Comment: This sequence change replaces alanine, which is neutral and non-polar, with valine, which is neutral and non-polar, at codon 151 of the HMOX1 protein (p.Ala151Val). This variant is present in population databases (rs768800478, gnomAD 0.003%). This variant has not been reported in the literature in individuals affected with HMOX1-related conditions. ClinVar contains an entry for this variant (Variation ID: 1025594). An algorithm developed to predict the effect of missense changes on protein structure and function (PolyPhen-2) suggests that this variant is likely to be disruptive. In summary, the available evidence is currently insufficient to determine the role of this variant in disease. Therefore, it has been classified as a Variant of Uncertain Significance.